The following is an entry in ClinVar:

ClinVar aggregate classification (germline): Benign/Likely benign. Review status: criteria provided, multiple submitters, no conflicts (2 of 4 stars). 4 submissions from 4 submitters: Benign (1); Likely benign (2). 1 of the submissions does not count toward it. Last evaluated 2026-01-19.

Conditions:
Inborn genetic diseases. Identifiers: MedGen C0950123, MeSH D030342.
EP300-related disorder. Also called: EP300-related condition; EP300-related disorders.
Rubinstein-Taybi syndrome due to EP300 haploinsufficiency. Also called: RUBINSTEIN-TAYBI SYNDROME 2; EP300-Related Rubinstein-Taybi Syndrome. Identifiers: Orphanet 353284, Orphanet 783, MedGen C3150941, MONDO:0013364, OMIM 613684.

Allele frequency attached by ClinVar (database versions not stated): gnomAD 0.00001; TOPMed 0.00004; gnomAD exomes 0.00008 and 0.00016; ExAC 0.00010.
gnomAD v4.1: 49 of 1,613,898 alleles (0.003%); highest among the groups gnomAD compares: Admixed American, 0.08%; no homozygotes.

Submissions (4):

Labcorp Genetics (formerly Invitae), Labcorp
Classification: Likely benign for Rubinstein-Taybi syndrome due to EP300 haploinsufficiency. Last evaluated: 2026-01-19. Review status: criteria provided, single submitter. Criteria: Invitae Variant Classification Sherloc (09022015). Collection method: clinical testing. Allele origin: germline.

Ambry Genetics
Classification: Likely benign for Inborn genetic diseases. Last evaluated: 2025-06-12. Review status: criteria provided, single submitter. Criteria: Ambry Variant Classification Scheme 2023. Collection method: clinical testing. Allele origin: germline.

GeneDx
Classification: Benign. Last evaluated: 2021-10-15. Review status: criteria provided, single submitter. Criteria: GeneDx Variant Classification Process June 2021. Collection method: clinical testing. Allele origin: germline. Affected: yes.

PreventionGenetics, part of Exact Sciences
Classification: Likely benign for EP300-related condition. Last evaluated: 2021-10-20. Review status: no assertion criteria provided. Collection method: clinical testing. Allele origin: germline. Not counted in ClinVar's aggregate classification.
Comment: This variant is classified as likely benign based on ACMG/AMP sequence variant interpretation guidelines (Richards et al. 2015 PMID: 25741868, with internal and published modifications).

NM_001429.4(EP300):c.2348C>T (p.Ala783Val)

Gene: EP300 (EP300 lysine acetyltransferase; plus strand). Cytogenetic location: 22q13.2.
Variant type: single nucleotide variant.
Coding change: c.2348C>T on transcript NM_001429.4 (MANE Select); coding-DNA position 2348, C replaced by T.
Protein change: p.Ala783Val; replaces alanine 783 with valine.
Molecular consequence: missense variant.
Genome position (GRCh38, 1-based): chr22:41,149,144, C>T. VCF-style: chr22-41149144-C-T. GRCh37 (hg19) VCF-style: chr22-41545148-C-T.
Other names: c.2270C>T, p.Ala757Val (NM_001362843.2); short protein forms A783V, A757V.
Identifiers: ClinVar variation 538872 (VCV000538872.15), dbSNP rs755619355, ClinGen allele CA10252839.